The following is an entry in ClinVar:

NM_138459.5(NUS1):c.803C>A (p.Ser268Tyr)

Gene: NUS1 (NUS1 dehydrodolichyl diphosphate synthase subunit; plus strand). Cytogenetic location: 6q22.1.
Variant type: single nucleotide variant.
Coding change: c.803C>A on transcript NM_138459.5 (MANE Select); coding-DNA position 803, C replaced by A.
Protein change: p.Ser268Tyr; replaces serine 268 with tyrosine.
Molecular consequence: missense variant.
Genome position (GRCh38, 1-based): chr6:117,706,936, C>A. VCF-style: chr6-117706936-C-A. GRCh37 (hg19) VCF-style: chr6-118028099-C-A.
Other names: short protein forms S268Y.
Identifiers: ClinVar variation 542847 (VCV000542847.6), dbSNP rs1554202852, ClinGen allele CA365537511.
Genomic context (GRCh38, chr6:117,706,936, plus strand): 5'-ATTACAGTGTATATCTAATTGCTTTTCTCCCCCCGTGTTTTCTTTTCAGCTCTTTGCCTT[C>A]CCACCTAAACATCAGTTATGAGGACTTTTTCTCTGCCCTTCGTCAATATGCAGCCTGTGA-3'
Protein context (NP_612468.1, residues 258-278): IRLTEIVSLP[Ser268Tyr]HLNISYEDFF

ClinVar aggregate classification (germline): Uncertain significance (1 of 4 stars; one submission).

Conditions:
Congenital disorder of glycosylation, type Iaa. Also called: Congenital disorder of glycosylation, type 1aa. Identifiers: MedGen C4310727, MONDO:0014904, OMIM 617082.

gnomAD v4.1: 1 of 1,612,528 alleles (0.000062%); highest among the groups gnomAD compares: Non-Finnish European, 0.000085%; no homozygotes.

Submission:

Labcorp Genetics (formerly Invitae), Labcorp
Classification: Uncertain significance for Congenital disorder of glycosylation, type Iaa. Last evaluated: 2025-08-11. Review status: criteria provided, single submitter. Criteria: Invitae Variant Classification Sherloc (09022015). Collection method: clinical testing. Allele origin: germline.
Comment: This sequence change replaces serine, which is neutral and polar, with tyrosine, which is neutral and polar, at codon 268 of the NUS1 protein (p.Ser268Tyr). This variant is not present in population databases (gnomAD no frequency). This variant has not been reported in the literature in individuals affected with NUS1-related conditions. ClinVar contains an entry for this variant (Variation ID: 542847). An algorithm developed to predict the effect of missense changes on protein structure and function (PolyPhen-2) suggests that this variant is likely to be disruptive. In summary, the available evidence is currently insufficient to determine the role of this variant in disease. Therefore, it has been classified as a Variant of Uncertain Significance.